The following is an entry in ClinVar:

ClinVar aggregate classification (germline): Pathogenic/Likely pathogenic. Review status: criteria provided, multiple submitters, no conflicts (2 of 4 stars). 2 submissions from 2 submitters: Pathogenic (1); Likely pathogenic (1). Last evaluated 2025-12-23.

Conditions:
UDPglucose-4-epimerase deficiency. Also called: GALACTOSEMIA III; GALE DEFICIENCY; UDP-GALACTOSE-4-EPIMERASE DEFICIENCY; Galactose epimerase deficiency; UDPglucose 4-Epimerase Deficiency Disease; Epimerase Deficiency Galactosemia. Identifiers: Orphanet 352, Orphanet 79238, MedGen C0751161, MONDO:0009257, OMIM 230350.
Thrombocytopenia 13, syndromic. Also called: THROMBOCYTOPENIA, AUTOSOMAL RECESSIVE, 13. Identifiers: MedGen C5935599, MONDO:0958333, OMIM 620776.

Submissions (2):

Labcorp Genetics (formerly Invitae), Labcorp
Classification: Pathogenic for UDPglucose-4-epimerase deficiency. Last evaluated: 2025-12-23. Review status: criteria provided, single submitter. Criteria: Invitae Variant Classification Sherloc (09022015). Collection method: clinical testing. Allele origin: germline.
Comment: This sequence change creates a premature translational stop signal (p.Ser48Profs*15) in the GALE gene. It is expected to result in an absent or disrupted protein product. Loss-of-function variants in GALE are known to be pathogenic (PMID: 16301867). This variant is present in population databases (no rsID available, gnomAD 0.002%). This variant has not been reported in the literature in individuals affected with GALE-related conditions. For these reasons, this variant has been classified as Pathogenic.

Fulgent Genetics
Classification: Likely pathogenic for UDPglucose-4-epimerase deficiency; Thrombocytopenia 13, syndromic. Last evaluated: 2024-05-29. Review status: criteria provided, single submitter. Criteria: ACMG Guidelines, 2015. Collection method: clinical testing. Allele origin: germline.

Literature cited by the submitters: PubMed 16301867 (cited by Labcorp Genetics (formerly Invitae), Labcorp).

NM_001008216.2(GALE):c.142_143del (p.Ser48fs)

Gene: GALE (UDP-galactose-4-epimerase; minus strand). Cytogenetic location: 1p36.11.
Variant type: Microsatellite.
Coding change: c.142_143del on transcript NM_001008216.2 (MANE Select); coding-DNA positions 142 to 143, 2 bases deleted (AG; older notation c.142_143delAG).
Protein change: p.Ser48fs; shifts the reading frame from serine 48.
Molecular consequence: frameshift variant.
Genome position (GRCh38, 1-based): chr1:23,798,709-23,798,710, CT deleted on the plus strand (AG on the coding strand, the reverse complement: GALE is on the minus strand); deleting any 2 consecutive bases within chr1:23,798,709-23,798,713 gives the same sequence; the c. name uses the placement nearest the transcript's 3' end. VCF-style (leftmost placement, unchanged base first): chr1-23798708-GCT-G. GRCh37 (hg19) VCF-style: chr1-24125198-GCT-G.
Other names: c.142_143del, p.Ser48fs (NM_000403.4, NM_001127621.2); short protein forms S48fs.
Identifiers: ClinVar variation 3582055 (VCV003582055.2).